The following is an entry in ClinVar:

NM_006231.4(POLE):c.3492C>T (p.Pro1164=)

Gene: POLE (DNA polymerase epsilon, catalytic subunit; minus strand). Cytogenetic location: 12q24.33.
Variant type: single nucleotide variant.
Coding change: c.3492C>T on transcript NM_006231.4 (MANE Select); coding-DNA position 3492, C replaced by T.
Protein change: p.Pro1164=; no amino-acid change (proline 1164 retained).
Molecular consequence: synonymous variant.
Genome position (GRCh38, 1-based): chr12:132,657,226, G>A on the plus strand (C>T on the coding strand, the complement: POLE is on the minus strand). VCF-style: chr12-132657226-G-A. GRCh37 (hg19) VCF-style: chr12-133233812-G-A.
Identifiers: ClinVar variation 240469 (VCV000240469.26), dbSNP rs754348616, ClinGen allele CA6893199.

ClinVar aggregate classification (germline): Likely benign. Review status: criteria provided, multiple submitters, no conflicts (2 of 4 stars). 5 submissions from 5 submitters: Likely benign (4). 1 of the submissions does not count toward it. Last evaluated 2026-01-05.

Conditions:
POLE-related disorder. Also called: POLE-related disorders; POLE-related condition.
Hereditary cancer-predisposing syndrome. Also called: Tumor predisposition; Neoplastic Syndromes, Hereditary; Hereditary Cancer Syndrome; Hereditary neoplastic syndrome. Identifiers: Orphanet 140162, MedGen C0027672, MeSH D009386, MONDO:0015356.

Allele frequency attached by ClinVar (database versions not stated): ExAC 0.00001; gnomAD 0.00001; gnomAD exomes 0.00001; TOPMed 0.00002.
gnomAD v4.1: 22 of 1,613,766 alleles (0.0014%); highest among the groups gnomAD compares: East Asian, 0.0022%; no homozygotes.

Submissions (5):

Labcorp Genetics (formerly Invitae), Labcorp
Classification: Likely benign. Last evaluated: 2026-01-05. Review status: criteria provided, single submitter. Criteria: Invitae Variant Classification Sherloc (09022015). Collection method: clinical testing. Allele origin: germline.

Center for Genomic Medicine, Rigshospitalet, Copenhagen University Hospital
Classification: Likely benign. Last evaluated: 2025-03-04. Review status: criteria provided, single submitter. Criteria: ACMG Guidelines, 2015. Collection method: clinical testing. Allele origin: germline.

GeneDx
Classification: Likely benign. Last evaluated: 2018-07-19. Review status: criteria provided, single submitter. Criteria: GeneDx Variant Classification Process June 2021. Collection method: clinical testing. Allele origin: germline. Affected: yes.

Ambry Genetics
Classification: Likely benign for Hereditary cancer-predisposing syndrome. Last evaluated: 2015-06-22. Review status: criteria provided, single submitter. Criteria: Ambry Variant Classification Scheme 2023. Collection method: clinical testing. Allele origin: germline.

PreventionGenetics, part of Exact Sciences
Classification: Likely benign for POLE-related condition. Last evaluated: 2019-07-09. Review status: no assertion criteria provided. Collection method: clinical testing. Allele origin: germline. Not counted in ClinVar's aggregate classification.
Comment: This variant is classified as likely benign based on ACMG/AMP sequence variant interpretation guidelines (Richards et al. 2015 PMID: 25741868, with internal and published modifications).